The following is an entry in ClinVar:

ClinVar aggregate classification (germline): Uncertain significance (1 of 4 stars; one submission).

Conditions:
NR0B2-related disorder. Also called: NR0B2-related condition.

gnomAD v4.1: 23 of 1,613,446 alleles (0.0014%); highest among the groups gnomAD compares: Non-Finnish European, 0.0018%; no homozygotes.

Submission:

PreventionGenetics, part of Exact Sciences
Classification: Uncertain significance for NR0B2-related condition. Last evaluated: 2025-04-08. Review status: criteria provided, single submitter. Criteria: ACMG Guidelines, 2015. Collection method: clinical testing. Allele origin: germline.
Comment: The NR0B2 c.416C>A variant is predicted to result in the amino acid substitution p.Pro139His. This variant was reported in an individual with Obesity (Echwald et al. 2004. PubMed ID: 15459958). This variant is reported in 0.0062% of alleles in individuals of African descent in gnomAD. At this time, the clinical significance of this variant is uncertain due to the absence of conclusive functional and genetic evidence.

NM_021969.3(NR0B2):c.416C>A (p.Pro139His)

Genes: NR0B2 (nuclear receptor subfamily 0 group B member 2; minus strand), NUDC (nuclear distribution C, dynein complex regulator; plus strand). Cytogenetic location: 1p36.11.
Variant type: single nucleotide variant.
Coding change: c.416C>A on transcript NM_021969.3 (MANE Select); coding-DNA position 416, C replaced by A.
Protein change: p.Pro139His; replaces proline 139 with histidine.
Molecular consequence: missense variant.
Genome position (GRCh38, 1-based): chr1:26,913,525, G>T on the plus strand (C>A on the coding strand, the complement: NR0B2 is on the minus strand). VCF-style: chr1-26913525-G-T. GRCh37 (hg19) VCF-style: chr1-27240016-G-T.
Other names: short protein forms P139H.
Identifiers: ClinVar variation 4977824 (VCV004977824.1).